The following is an entry in ClinVar:

ClinVar aggregate classification (germline): Uncertain significance. Review status: criteria provided, multiple submitters, no conflicts (2 of 4 stars). 2 submissions from 2 submitters: Uncertain significance (2). Last evaluated 2024-11-11.

Conditions:
Inborn genetic diseases. Identifiers: MedGen C0950123, MeSH D030342.

Allele frequency attached by ClinVar (database versions not stated): gnomAD exomes below 0.00001; TOPMed below 0.00001; ExAC 0.00001; gnomAD 0.00001.
gnomAD v4.1: 6 of 1,611,150 alleles (0.00037%); highest among the groups gnomAD compares: South Asian, 0.0011%; no homozygotes.

Submissions (2):

Ambry Genetics
Classification: Uncertain significance for Inborn genetic diseases. Last evaluated: 2024-11-11. Review status: criteria provided, single submitter. Criteria: Ambry Variant Classification Scheme 2023. Collection method: clinical testing. Allele origin: germline.

Labcorp Genetics (formerly Invitae), Labcorp
Classification: Uncertain significance. Last evaluated: 2022-04-22. Review status: criteria provided, single submitter. Criteria: Invitae Variant Classification Sherloc (09022015). Collection method: clinical testing. Allele origin: germline.
Comment: This sequence change replaces proline, which is neutral and non-polar, with leucine, which is neutral and non-polar, at codon 713 of the LTBP2 protein (p.Pro713Leu). The frequency data for this variant in the population databases is considered unreliable, as metrics indicate poor data quality at this position in the gnomAD database. This variant has not been reported in the literature in individuals affected with LTBP2-related conditions. Algorithms developed to predict the effect of missense changes on protein structure and function (SIFT, PolyPhen-2, Align-GVGD) all suggest that this variant is likely to be disruptive. In summary, the available evidence is currently insufficient to determine the role of this variant in disease. Therefore, it has been classified as a Variant of Uncertain Significance.

NM_000428.3(LTBP2):c.2138C>T (p.Pro713Leu)

Gene: LTBP2 (latent transforming growth factor beta binding protein 2; minus strand). Cytogenetic location: 14q24.3.
Variant type: single nucleotide variant.
Coding change: c.2138C>T on transcript NM_000428.3 (MANE Select); coding-DNA position 2138, C replaced by T.
Protein change: p.Pro713Leu; replaces proline 713 with leucine.
Molecular consequence: missense variant.
Genome position (GRCh38, 1-based): chr14:74,528,972, G>A on the plus strand (C>T on the coding strand, the complement: LTBP2 is on the minus strand). VCF-style: chr14-74528972-G-A. GRCh37 (hg19) VCF-style: chr14-74995675-G-A.
Other names: c.2138C>T (NM_000428.2); short protein forms P713L.
Identifiers: ClinVar variation 1904504 (VCV001904504.3), dbSNP rs745848887, ClinGen allele CA7269640.